The following is an entry in ClinVar:

ClinVar aggregate classification (germline): Pathogenic (1 of 4 stars; one submission).

Submission:

Labcorp Genetics (formerly Invitae), Labcorp
Classification: Pathogenic. Last evaluated: 2024-10-30. Review status: criteria provided, single submitter. Criteria: Invitae Variant Classification Sherloc (09022015). Collection method: clinical testing. Allele origin: germline.
Comment: This sequence change creates a premature translational stop signal (p.Glu514Lysfs*6) in the FRMD7 gene. While this is not anticipated to result in nonsense mediated decay, it is expected to disrupt the last 201 amino acid(s) of the FRMD7 protein. This variant is not present in population databases (gnomAD no frequency). This variant has not been reported in the literature in individuals affected with FRMD7-related conditions. This variant disrupts a region of the FRMD7 protein in which other variant(s) (p.Val549Tyrfs*6) have been determined to be pathogenic (PMID: 24434814; internal data). This suggests that this is a clinically significant region of the protein, and that variants that disrupt it are likely to be disease-causing. For these reasons, this variant has been classified as Pathogenic.

Literature cited by the submitters: PubMed 24434814.

NM_194277.3(FRMD7):c.1540_1544del (p.Glu514fs)

Gene: FRMD7 (FERM domain containing 7; minus strand). Cytogenetic location: Xq26.2.
Variant type: Deletion.
Coding change: c.1540_1544del on transcript NM_194277.3 (MANE Select); coding-DNA positions 1540 to 1544, 5 bases deleted (GAGGA; older notation c.1540_1544delGAGGA).
Protein change: p.Glu514fs; shifts the reading frame from glutamic acid 514.
Molecular consequence: frameshift variant.
Genome position (GRCh38, 1-based): chrX:132,078,473-132,078,477, TCCTC deleted on the plus strand (GAGGA on the coding strand, the reverse complement: FRMD7 is on the minus strand); deleting any 5 consecutive bases within chrX:132,078,473-132,078,478 gives the same sequence; the c. name uses the placement nearest the transcript's 3' end. VCF-style (leftmost placement, unchanged base first): chrX-132078472-TTCCTC-T. GRCh37 (hg19) VCF-style: chrX-131212500-TTCCTC-T.
Other names: c.1495_1499del, p.Glu499fs (NM_001306193.2); short protein forms E499fs, E514fs.
Identifiers: ClinVar variation 3724108 (VCV003724108.2).